The following is an entry in ClinVar:

NM_005585.5(SMAD6):c.40T>G (p.Trp14Gly)

Gene: SMAD6 (SMAD family member 6; plus strand). Cytogenetic location: 15q22.31.
Variant type: single nucleotide variant.
Coding change: c.40T>G on transcript NM_005585.5 (MANE Select); coding-DNA position 40, T replaced by G.
Protein change: p.Trp14Gly; replaces tryptophan 14 with glycine.
Molecular consequence: missense variant. On other transcripts: non-coding transcript variant (1).
Genome position (GRCh38, 1-based): chr15:66,703,298, T>G. VCF-style: chr15-66703298-T-G. GRCh37 (hg19) VCF-style: chr15-66995636-T-G.
Other names: short protein forms W14G.
Identifiers: ClinVar variation 4170071 (VCV004170071.1).

ClinVar aggregate classification (germline): Uncertain significance (1 of 4 stars; one submission).

Conditions:
Inborn genetic diseases. Identifiers: MedGen C0950123, MeSH D030342.

gnomAD v4.1: 1 of 1,491,768 alleles (0.000067%); highest among the groups gnomAD compares: Non-Finnish European, 0.000089%; no homozygotes.

Submission:

Ambry Genetics
Classification: Uncertain significance for Inborn genetic diseases. Last evaluated: 2025-07-28. Review status: criteria provided, single submitter. Criteria: Ambry Variant Classification Scheme 2023. Collection method: clinical testing. Allele origin: germline.
Comment: The p.W14G variant (also known as c.40T>G), located in coding exon 1 of the SMAD6 gene, results from a T to G substitution at nucleotide position 40. The tryptophan at codon 14 is replaced by glycine, an amino acid with highly dissimilar properties. This amino acid position is conserved. In addition, the in silico prediction for this alteration is inconclusive. Based on the available evidence, the clinical significance of this variant remains unclear.